The following is an entry in ClinVar:

ClinVar aggregate classification (germline): Likely pathogenic. Review status: criteria provided, multiple submitters, no conflicts (2 of 4 stars). 2 submissions from 2 submitters: Likely pathogenic (2). Last evaluated 2025-11-18.

Conditions:
Arrhythmogenic right ventricular dysplasia 10. Also called: Arrhythmogenic Right Ventricular Dysplasia/Cardiomyopathy10; ARRHYTHMOGENIC RIGHT VENTRICULAR DYSPLASIA, FAMILIAL, 10; Arrhythmogenic right ventricular dysplasia/cardiomyopathy, type 10. Identifiers: MedGen C1857777, MONDO:0012434, OMIM 610193.

Allele frequency attached by ClinVar (database versions not stated): gnomAD exomes below 0.00001 and 0.00002; ExAC 0.00001.

Submissions (2):

GeneDx
Classification: Likely pathogenic. Last evaluated: 2025-11-18. Review status: criteria provided, single submitter. Criteria: GeneDx Variant Classification Process June 2021. Collection method: clinical testing. Allele origin: germline.
Comment: Deletion of nucleotides at the exon 13/intron 13 boundary, destroying the canonical splice donor site in intron 13 and predicted to result in a null allele in a gene for which loss of function is a known mechanism of disease; Not observed at significant frequency in large population cohorts (gnomAD); Has not been previously published as pathogenic or benign to our knowledge; This variant is associated with the following publications: (PMID: 31638835, 33087929)

Labcorp Genetics (formerly Invitae), Labcorp
Classification: Likely pathogenic for Arrhythmogenic right ventricular dysplasia 10. Last evaluated: 2021-03-23. Review status: criteria provided, single submitter. Criteria: Invitae Variant Classification Sherloc (09022015). Collection method: clinical testing. Allele origin: germline.
Comment: This sequence change affects a donor splice site in intron 13 of the DSG2 gene. It is expected to disrupt RNA splicing. Variants that disrupt the donor or acceptor splice site typically lead to a loss of protein function (PMID: 16199547), and loss-of-function variants in DSG2 are known to be pathogenic (PMID: 23381804, 23911551). The frequency data for this variant in the population databases is considered unreliable, as metrics indicate poor data quality at this position in the ExAC database. This variant has not been reported in the literature in individuals with DSG2-related conditions. In summary, the currently available evidence indicates that the variant is pathogenic, but additional data are needed to prove that conclusively. Therefore, this variant has been classified as Likely Pathogenic.

Literature cited by the submitters: PubMed 16199547 (cited by Labcorp Genetics (formerly Invitae), Labcorp); PubMed 23381804 (cited by Labcorp Genetics (formerly Invitae), Labcorp); PubMed 23911551 (cited by Labcorp Genetics (formerly Invitae), Labcorp).

NM_001943.5(DSG2):c.2001_2001+5del

Gene: DSG2 (desmoglein 2; plus strand). Cytogenetic location: 18q12.1.
Variant type: Deletion.
Coding change: c.2001_2001+5del on transcript NM_001943.5 (MANE Select); coding-DNA position 2001 through 5 bases into the intron after coding-DNA position 2001, 6 bases deleted (GGTCAG; older notation c.2001_2001+5delGGTCAG).
Molecular consequence: splice donor variant.
Genome position (GRCh38, 1-based): chr18:31,541,314-31,541,319, GGTCAG deleted. VCF-style (leftmost placement, unchanged base first): chr18-31541313-AGGTCAG-A. GRCh37 (hg19) VCF-style: chr18-29121276-AGGTCAG-A.
Identifiers: ClinVar variation 1491787 (VCV001491787.8), dbSNP rs779360113, ClinGen allele CA8928347.